The following is an entry in ClinVar:

ClinVar aggregate classification (germline): Conflicting classifications of pathogenicity. Review status: criteria provided, conflicting classifications (1 of 4 stars). 3 submissions from 3 submitters: Uncertain significance (2); Likely benign (1). Last evaluated 2025-06-29.

Conditions:
Left-right axis malformations. Identifiers: MedGen C1866091.

Allele frequency attached by ClinVar (database versions not stated): gnomAD 0.00002 and 0.00003; TOPMed 0.00002; ExAC 0.00004; gnomAD exomes 0.00004.
gnomAD v4.1: 54 of 1,613,896 alleles (0.0033%); highest among the groups gnomAD compares: Middle Eastern, 0.017%; no homozygotes.

Submissions (3):

Ambry Genetics
Classification: Uncertain significance. Last evaluated: 2025-06-29. Review status: criteria provided, single submitter. Criteria: Ambry Variant Classification Scheme 2023. Collection method: clinical testing. Allele origin: germline.

Blueprint Genetics
Classification: Likely benign. Last evaluated: 2022-09-26. Review status: criteria provided, single submitter. Criteria: ACMG Guidelines, 2015. Collection method: clinical testing. Allele origin: germline.

Labcorp Genetics (formerly Invitae), Labcorp
Classification: Uncertain significance for Left-right axis malformations. Last evaluated: 2022-08-05. Review status: criteria provided, single submitter. Criteria: Invitae Variant Classification Sherloc (09022015). Collection method: clinical testing. Allele origin: germline.
Comment: This sequence change replaces threonine, which is neutral and polar, with serine, which is neutral and polar, at codon 336 of the LEFTY2 protein (p.Thr336Ser). This variant is present in population databases (rs749823804, gnomAD 0.02%). This variant has not been reported in the literature in individuals affected with LEFTY2-related conditions. ClinVar contains an entry for this variant (Variation ID: 406797). Algorithms developed to predict the effect of missense changes on protein structure and function (SIFT, PolyPhen-2, Align-GVGD) all suggest that this variant is likely to be tolerated. In summary, the available evidence is currently insufficient to determine the role of this variant in disease. Therefore, it has been classified as a Variant of Uncertain Significance.

NM_003240.5(LEFTY2):c.1007C>G (p.Thr336Ser)

Gene: LEFTY2 (left-right determination factor 2; minus strand). Cytogenetic location: 1q42.12.
Variant type: single nucleotide variant.
Coding change: c.1007C>G on transcript NM_003240.5 (MANE Select); coding-DNA position 1007, C replaced by G.
Protein change: p.Thr336Ser; replaces threonine 336 with serine.
Molecular consequence: missense variant.
Genome position (GRCh38, 1-based): chr1:225,937,535, G>C on the plus strand (C>G on the coding strand, the complement: LEFTY2 is on the minus strand). VCF-style: chr1-225937535-G-C. GRCh37 (hg19) VCF-style: chr1-226125235-G-C.
Other names: c.905C>G, p.Thr302Ser (NM_001172425.3); short protein forms T336S, T302S.
Identifiers: ClinVar variation 406797 (VCV000406797.12), dbSNP rs749823804, ClinGen allele CA1420424.